The following is an entry in ClinVar:

ClinVar aggregate classification (germline): Conflicting classifications of pathogenicity. Review status: criteria provided, conflicting classifications (1 of 4 stars). 3 submissions from 3 submitters: Uncertain significance (1); Likely benign (1). 1 of the submissions does not count toward it. Last evaluated 2023-02-14.

Conditions:
CUL7-related disorder. Also called: CUL7-related condition.

Allele frequency attached by ClinVar (database versions not stated): TOPMed 0.00003.
gnomAD v4.1: 29 of 1,614,098 alleles (0.0018%); highest among the groups gnomAD compares: African/African-American, 0.012%; no homozygotes.

Submissions (3):

Labcorp Genetics (formerly Invitae), Labcorp
Classification: Likely benign. Last evaluated: 2023-02-14. Review status: criteria provided, single submitter. Criteria: Invitae Variant Classification Sherloc (09022015). Collection method: clinical testing. Allele origin: germline.

Eurofins Ntd Llc (ga)
Classification: Uncertain significance. Last evaluated: 2017-07-07. Review status: criteria provided, single submitter. Criteria: EGL Classification Definitions 2015. Collection method: clinical testing. Allele origin: germline. Observed: 1 variant allele, 1 heterozygote.

PreventionGenetics, part of Exact Sciences
Classification: Likely benign for CUL7-related condition. Last evaluated: 2019-05-20. Review status: no assertion criteria provided. Collection method: clinical testing. Allele origin: germline. Not counted in ClinVar's aggregate classification.
Comment: This variant is classified as likely benign based on ACMG/AMP sequence variant interpretation guidelines (Richards et al. 2015 PMID: 25741868, with internal and published modifications).

NM_014780.5(CUL7):c.1782G>A (p.Ala594=)

Gene: CUL7 (cullin 7; minus strand). Cytogenetic location: 6p21.1.
Variant type: single nucleotide variant.
Coding change: c.1782G>A on transcript NM_014780.5 (MANE Select); coding-DNA position 1782, G replaced by A.
Protein change: p.Ala594=; no amino-acid change (alanine 594 retained).
Molecular consequence: synonymous variant.
Genome position (GRCh38, 1-based): chr6:43,049,450, C>T on the plus strand (G>A on the coding strand, the complement: CUL7 is on the minus strand). VCF-style: chr6-43049450-C-T. GRCh37 (hg19) VCF-style: chr6-43017188-C-T.
Other names: c.1878G>A, p.Ala626= (NM_001168370.2, NM_001374872.1); c.1782G>A, p.Ala594= (NM_001374873.1, NM_001374874.1); c.1782G>A (NM_014780.4).
Identifiers: ClinVar variation 592977 (VCV000592977.14), dbSNP rs369092411, ClinGen allele CA3814075.